The following is an entry in ClinVar:

ClinVar aggregate classification (germline): Uncertain significance. Review status: criteria provided, multiple submitters, no conflicts (2 of 4 stars). 2 submissions from 2 submitters: Uncertain significance (2). Last evaluated 2025-08-12.

Conditions:
Inborn genetic diseases. Identifiers: MedGen C0950123, MeSH D030342.

Allele frequency attached by ClinVar (database versions not stated): gnomAD 0.00002; ExAC 0.00003; ESP Exome Variant Server 0.00008.
gnomAD v4.1: 15 of 1,613,526 alleles (0.00093%); highest among the groups gnomAD compares: Admixed American, 0.0017%; no homozygotes.

Submissions (2):

Ambry Genetics
Classification: Uncertain significance for Inborn genetic diseases. Last evaluated: 2025-08-12. Review status: criteria provided, single submitter. Criteria: Ambry Variant Classification Scheme 2023. Collection method: clinical testing. Allele origin: germline.

Labcorp Genetics (formerly Invitae), Labcorp
Classification: Uncertain significance. Last evaluated: 2025-04-08. Review status: criteria provided, single submitter. Criteria: Invitae Variant Classification Sherloc (09022015). Collection method: clinical testing. Allele origin: germline.
Comment: This sequence change replaces cysteine, which is neutral and slightly polar, with tyrosine, which is neutral and polar, at codon 203 of the DYNC2LI1 protein (p.Cys203Tyr). This variant is present in population databases (rs372370731, gnomAD 0.003%). This variant has not been reported in the literature in individuals affected with DYNC2LI1-related conditions. ClinVar contains an entry for this variant (Variation ID: 1933249). An algorithm developed to predict the effect of missense changes on protein structure and function (PolyPhen-2) suggests that this variant is likely to be tolerated. In summary, the available evidence is currently insufficient to determine the role of this variant in disease. Therefore, it has been classified as a Variant of Uncertain Significance.

NM_016008.4(DYNC2LI1):c.608G>A (p.Cys203Tyr)

Gene: DYNC2LI1 (dynein cytoplasmic 2 light intermediate chain 1; plus strand). Cytogenetic location: 2p21.
Variant type: single nucleotide variant.
Coding change: c.608G>A on transcript NM_016008.4 (MANE Select); coding-DNA position 608, G replaced by A.
Protein change: p.Cys203Tyr; replaces cysteine 203 with tyrosine.
Molecular consequence: missense variant.
Genome position (GRCh38, 1-based): chr2:43,796,749, G>A. VCF-style: chr2-43796749-G-A. GRCh37 (hg19) VCF-style: chr2-44023888-G-A.
Other names: c.611G>A (NM_001193464.1); c.611G>A, p.Cys204Tyr (NM_001193464.2, NM_001348913.2); c.608G>A, p.Cys203Tyr (NM_001348912.2); short protein forms C203Y, C204Y.
Identifiers: ClinVar variation 1933249 (VCV001933249.5), dbSNP rs372370731, ClinGen allele CA1635935.
Genomic context (GRCh38, chr2:43,796,749, plus strand): 5'-TGACTTTTTAAAATAACATATTTCTACAGGATTTTGAGTCTGAGAAGAGAAAGGTAATAT[G>A]CAAGACACTTCGATTTGTTGCACATTATTATGGAGCATCATTAATGGTTTGTACATTTCT-3'
Protein context (NP_057092.2, residues 193-213): DFESEKRKVI[Cys203Tyr]KTLRFVAHYY